The following is an entry in ClinVar:

ClinVar aggregate classification (germline): Uncertain significance (1 of 4 stars; one submission).

Conditions:
Birt-Hogg-Dube syndrome. Also called: Birt Hogg Dubé syndrome. Identifiers: Orphanet 122, MedGen C0346010, MONDO:0800444.

Submission:

Labcorp Genetics (formerly Invitae), Labcorp
Classification: Uncertain significance for Birt-Hogg-Dube syndrome. Last evaluated: 2022-05-31. Review status: criteria provided, single submitter. Criteria: Invitae Variant Classification Sherloc (09022015). Collection method: clinical testing. Allele origin: germline.
Comment: This sequence change replaces serine, which is neutral and polar, with asparagine, which is neutral and polar, at codon 267 of the FLCN protein (p.Ser267Asn). This variant is not present in population databases (gnomAD no frequency). This variant has not been reported in the literature in individuals affected with FLCN-related conditions. Algorithms developed to predict the effect of missense changes on protein structure and function (SIFT, PolyPhen-2, Align-GVGD) all suggest that this variant is likely to be tolerated. In summary, the available evidence is currently insufficient to determine the role of this variant in disease. Therefore, it has been classified as a Variant of Uncertain Significance.

NM_144997.7(FLCN):c.800G>A (p.Ser267Asn)

Gene: FLCN (folliculin; minus strand). Cytogenetic location: 17p11.2.
Variant type: single nucleotide variant.
Coding change: c.800G>A on transcript NM_144997.7 (MANE Select); coding-DNA position 800, G replaced by A.
Protein change: p.Ser267Asn; replaces serine 267 with asparagine.
Molecular consequence: missense variant.
Genome position (GRCh38, 1-based): chr17:17,221,608, C>T on the plus strand (G>A on the coding strand, the complement: FLCN is on the minus strand). VCF-style: chr17-17221608-C-T. GRCh37 (hg19) VCF-style: chr17-17124922-C-T.
Other names: c.854G>A, p.Ser285Asn (NM_001353229.2); c.800G>A, p.Ser267Asn (NM_001353230.2, NM_001353231.2, NM_144606.7); short protein forms S267N, S285N.
Identifiers: ClinVar variation 2041627 (VCV002041627.4), dbSNP rs2144933941, ClinGen allele CA398533759.